The following is an entry in ClinVar:

ClinVar aggregate classification (germline): Pathogenic/Likely pathogenic. Review status: criteria provided, multiple submitters, no conflicts (2 of 4 stars). 3 submissions from 3 submitters: Pathogenic (2); Likely pathogenic (1). Last evaluated 2024-01-22.

Conditions:
Sandhoff disease. Also called: Beta-hexosaminidase-beta-subunit deficiency; GM2 gangliosidosis, type 2; Total hexosaminidase deficiency; Sandhoff-Jatzkewitz-Pilz disease; GM2-GANGLIOSIDOSIS, TYPE II; HEXOSAMINIDASES A AND B DEFICIENCY. Identifiers: Orphanet 796, MedGen C0036161, MONDO:0010006, OMIM 268800.

Allele frequency attached by ClinVar (database versions not stated): gnomAD exomes below 0.00001.

Submissions (3):

Fulgent Genetics
Classification: Likely pathogenic for Sandhoff disease. Last evaluated: 2024-01-22. Review status: criteria provided, single submitter. Criteria: ACMG Guidelines, 2015. Collection method: clinical testing. Allele origin: germline.

Labcorp Genetics (formerly Invitae), Labcorp
Classification: Pathogenic for Sandhoff disease. Last evaluated: 2023-12-01. Review status: criteria provided, single submitter. Criteria: Invitae Variant Classification Sherloc (09022015). Collection method: clinical testing. Allele origin: germline.
Comment: This sequence change creates a premature translational stop signal (p.Asp470Ilefs*60) in the HEXB gene. While this is not anticipated to result in nonsense mediated decay, it is expected to disrupt the last 87 amino acid(s) of the HEXB protein. This variant is not present in population databases (gnomAD no frequency). This premature translational stop signal has been observed in individual(s) with Sandhoff disease (PMID: 24915922, 27021291). ClinVar contains an entry for this variant (Variation ID: 1458169). This variant disrupts a region of the HEXB protein in which other variant(s) (p.Cys534*) have been determined to be pathogenic (PMID: 29448188, 30075786; Invitae). This suggests that this is a clinically significant region of the protein, and that variants that disrupt it are likely to be disease-causing. For these reasons, this variant has been classified as Pathogenic.

Juno Genomics, Hangzhou Juno Genomics, Inc
Classification: Pathogenic for Sandhoff disease. Review status: criteria provided, single submitter. Criteria: ACMG Guidelines, 2015. Collection method: clinical testing. Allele origin: germline.
Comment: Absent from controls (or at extremely low frequency if recessive) in Genome Aggregation Database.;Null variant in a gene where loss of function (LOF) is a known mechanism of disease.;For recessive disorders, detected in trans with a pathogenic variant.;Patient's phenotype or family history is highly specific for a disease with a single genetic etiology.

Literature cited by the submitters: PubMed 24915922 (cited by Labcorp Genetics (formerly Invitae), Labcorp); PubMed 27021291 (cited by Labcorp Genetics (formerly Invitae), Labcorp); PubMed 29448188 (cited by Labcorp Genetics (formerly Invitae), Labcorp); PubMed 30075786 (cited by Labcorp Genetics (formerly Invitae), Labcorp).

NM_000521.4(HEXB):c.1404del (p.Asp470fs)

Gene: HEXB (hexosaminidase subunit beta; plus strand). Cytogenetic location: 5q13.3.
Variant type: Deletion.
Coding change: c.1404del on transcript NM_000521.4 (MANE Select); coding-DNA position 1404, one base deleted (T; older notation c.1404delT).
Protein change: p.Asp470fs; shifts the reading frame from aspartic acid 470.
Molecular consequence: frameshift variant.
Genome position (GRCh38, 1-based): chr5:74,718,958, T deleted. VCF-style (leftmost placement, unchanged base first): chr5-74718957-CT-C. GRCh37 (hg19) VCF-style: chr5-74014782-CT-C.
Other names: c.729del, p.Asp245fs (NM_001292004.2); short protein forms D245fs, D470fs.
Identifiers: ClinVar variation 1458169 (VCV001458169.11), dbSNP rs2112180987, ClinGen allele CA2573139800.